The following is an entry in ClinVar:

NM_000642.3(AGL):c.1027C>T (p.Arg343Trp)

Gene: AGL (amylo-alpha-1,6-glucosidase and 4-alpha-glucanotransferase; plus strand). Cytogenetic location: 1p21.2.
Variant type: single nucleotide variant.
Coding change: c.1027C>T on transcript NM_000642.3 (MANE Select); coding-DNA position 1027, C replaced by T.
Protein change: p.Arg343Trp; replaces arginine 343 with tryptophan.
Molecular consequence: missense variant.
Genome position (GRCh38, 1-based): chr1:99,874,755, C>T. VCF-style: chr1-99874755-C-T. GRCh37 (hg19) VCF-style: chr1-100340311-C-T.
Other names: c.1027C>T, p.Arg343Trp (NM_000028.3, NM_000643.3, NM_000644.3 and 3 more transcripts); c.979C>T, p.Arg327Trp (NM_000646.3); c.823C>T, p.Arg275Trp (NM_001425328.1, NM_001425329.1); c.649C>T, p.Arg217Trp (NM_001425332.1); short protein forms R343W, R327W, R217W, R275W.
Identifiers: ClinVar variation 429532 (VCV000429532.14), dbSNP rs1131691438, ClinGen allele CA341343170.

ClinVar aggregate classification (germline): Likely pathogenic. Review status: criteria provided, multiple submitters, no conflicts (2 of 4 stars). 6 submissions from 6 submitters: Likely pathogenic (5). 1 of the submissions does not count toward it. Last evaluated 2025-11-03.

Conditions:
Glycogen storage disease type III (GSD3). Also called: FORBES DISEASE; Cori disease. Identifiers: Orphanet 366, MedGen C0017922, MONDO:0009291, OMIM 232400.

Allele frequency attached by ClinVar (database versions not stated): gnomAD below 0.00001 and 0.00001; gnomAD exomes below 0.00001; TOPMed 0.00001.
gnomAD v4.1: 3 of 1,603,438 alleles (0.00019%); highest among the groups gnomAD compares: Admixed American, 0.0017%; no homozygotes.

Submissions (6):

Labcorp Genetics (formerly Invitae), Labcorp
Classification: Likely pathogenic for Glycogen storage disease type III. Last evaluated: 2025-11-03. Review status: criteria provided, single submitter. Criteria: Invitae Variant Classification Sherloc (09022015). Collection method: clinical testing. Allele origin: germline.
Comment: This sequence change replaces arginine, which is basic and polar, with tryptophan, which is neutral and slightly polar, at codon 343 of the AGL protein (p.Arg343Trp). This variant is present in population databases (no rsID available, gnomAD 0.004%). This missense change has been observed in individual(s) with clinical features of glycogen storage disease (internal data). ClinVar contains an entry for this variant (Variation ID: 429532). Invitae Evidence Modeling of protein sequence and biophysical properties (such as structural, functional, and spatial information, amino acid conservation, physicochemical variation, residue mobility, and thermodynamic stability) indicates that this missense variant is expected to disrupt AGL protein function with a positive predictive value of 80%. Experimental studies have shown that this missense change does not substantially affect AGL function (PMID: 27088557). In summary, the currently available evidence indicates that the variant is pathogenic, but additional data are needed to prove that conclusively. Therefore, this variant has been classified as Likely Pathogenic.

Women's Health and Genetics/Laboratory Corporation of America, LabCorp
Classification: Likely pathogenic for Glycogen storage disease type III. Last evaluated: 2025-06-17. Review status: criteria provided, single submitter. Criteria: LabCorp Variant Classification Summary - May 2015. Collection method: clinical testing. Allele origin: germline.
Comment: Variant summary: AGL c.1027C>T (p.Arg343Trp) results in a non-conservative amino acid change located in the Glycogen debranching enzyme, glucanotransferase domain of the encoded protein sequence. Algorithms developed to predict the effect of missense changes on protein structure and function all suggest that this variant is likely to be disruptive. The variant allele was found at a frequency of 4e-06 in 251304 control chromosomes. c.1027C>T has been observed in individual(s) affected with Glycogen Storage Disease Type III (example:Sentner_2012, Internal data). These data indicate that the variant is likely to be associated with disease. One study which expressed Candida glabrata glycogen debranching enzyme in Escherichia coli reported the variant to have no impact on glycogen debranching enzyme activity, however this data does not allow convincing conclusions about the variant effect in humans (Zhai_2016). The following publications have been ascertained in the context of this evaluation (PMID: 23430490, 27106217, 27088557). ClinVar contains an entry for this variant (Variation ID: 429532). Based on the evidence outlined above, the variant was classified as likely pathogenic.

Natera, Inc.
Classification: Likely pathogenic for Glycogen storage disease type III. Last evaluated: 2025-06-06. Review status: criteria provided, single submitter. Criteria: Natera Variant Classification Schema (03/2026). Collection method: clinical testing. Allele origin: germline.
Comment: The c.1027C>T variant in AGL is a missense variant predicted to cause substitution of arginine to tryptophan at amino acid 343. This variant is rare in the general population with a frequency below the threshold expected for the associated phenotype(s). This variant has been observed in one or more individuals affected with the associated recessive disease, as either homozygous or compound heterozygous with a second variant (PMID: 23430490). This variant has been identified in one or more affected individual with a phenotype highly consistent with the associated gene (PMID: 23430490). Computational prediction algorithms indicate this variant is likely to affect gene or protein function. Given the available evidence, this variant is classified as Likely Pathogenic.

GeneDx
Classification: Likely pathogenic. Last evaluated: 2025-03-20. Review status: criteria provided, single submitter. Criteria: GeneDx Variant Classification Process June 2021. Collection method: clinical testing. Allele origin: germline. Affected: yes.
Comment: Not observed at significant frequency in large population cohorts (gnomAD); In silico analysis supports that this missense variant has a deleterious effect on protein structure/function; This variant is associated with the following publications: (PMID: 23430490, 27088557)

3billion
Classification: Likely pathogenic for Glycogen storage disease type III. Last evaluated: 2022-05-22. Review status: criteria provided, single submitter. Criteria: ACMG Guidelines, 2015. Collection method: clinical testing. Allele origin: germline. Affected: yes. Observed: 1 homozygote.
Comment: The variant is observed at an extremely low frequency in the gnomAD v2.1.1 dataset (total allele frequency: <0.001%). Protein truncation variants are a common disease-causing mechanism. In silico tool predictions suggest damaging effect of the variant on gene or gene product (REVEL: 0.81; 3Cnet: 0.82). Same nucleotide change resulting in same amino acid change has been previously reported to be associated with AGL- related disorder (ClinVar ID: VCV000429532 / PMID: 23430490). The variant has been reported to be in trans with pathogenic variant(s) as either compound heterozygous or homozygous in at least one similarly affected unrelated individual (PMID: 23430490). Therefore, this variant is classified as likely pathogenic according to the recommendation of ACMG/AMP guideline.

Counsyl
Classification: Uncertain significance for Glycogen storage disease type III. Last evaluated: 2017-06-14. Review status: no assertion criteria provided. Collection method: clinical testing. Allele origin: unknown. Not counted in ClinVar's aggregate classification.

Literature cited by the submitters: PubMed 27088557 (cited by 3 submitters); PubMed 23430490 (cited by 4 submitters); PubMed 27106217 (cited by Women's Health and Genetics/Laboratory Corporation of America, LabCorp).